The following is an entry in ClinVar:

ClinVar aggregate classification (germline): Likely benign (1 of 4 stars; one submission).

gnomAD v4.1: 2 of 1,605,262 alleles (0.00012%); highest among the groups gnomAD compares: Admixed American, 0.0017%; no homozygotes.

Submission:

GeneDx
Classification: Likely benign. Last evaluated: 2018-11-30. Review status: criteria provided, single submitter. Criteria: GeneDx Variant Classification Process June 2021. Collection method: clinical testing. Allele origin: germline. Affected: yes.
Comment: See Variant Classification Assertion Criteria.

NM_003672.4(CDC14A):c.1755+120G>A

Gene: CDC14A (cell division cycle 14A; plus strand). Cytogenetic location: 1p21.2.
Variant type: single nucleotide variant.
Coding change: c.1755+120G>A on transcript NM_003672.4 (MANE Select); 120 bases into the intron after coding-DNA position 1755, G replaced by A.
Molecular consequence: intron variant. On other transcripts: 3 prime UTR variant (3).
Genome position (GRCh38, 1-based): chr1:100,499,382, G>A. VCF-style: chr1-100499382-G-A. GRCh37 (hg19) VCF-style: chr1-100964938-G-A.
Other names: c.*3G>A (NM_001319211.2, NM_001319212.2, NM_033312.3); c.1755+120G>A (NM_001319210.2).
Identifiers: ClinVar variation 3340550 (VCV003340550.1).